The following is an entry in ClinVar:

NM_144670.6(A2ML1):c.1988C>T (p.Pro663Leu)

Gene: A2ML1 (alpha-2-macroglobulin like 1; plus strand). Cytogenetic location: 12p13.31.
Variant type: single nucleotide variant.
Coding change: c.1988C>T on transcript NM_144670.6 (MANE Select); coding-DNA position 1988, C replaced by T.
Protein change: p.Pro663Leu; replaces proline 663 with leucine.
Molecular consequence: missense variant.
Genome position (GRCh38, 1-based): chr12:8,848,874, C>T. VCF-style: chr12-8848874-C-T. GRCh37 (hg19) VCF-style: chr12-9001470-C-T.
Other names: c.515C>T, p.Pro172Leu (NM_001282424.3); short protein forms P172L, P663L.
Identifiers: ClinVar variation 963181 (VCV000963181.9), dbSNP rs201653915, ClinGen allele CA232683242.

ClinVar aggregate classification (germline): Uncertain significance (1 of 4 stars; one submission).

Allele frequency attached by ClinVar (database versions not stated): gnomAD exomes below 0.00001 and 0.00003; gnomAD 0.00001; TOPMed 0.00001.
gnomAD v4.1: 39 of 1,613,896 alleles (0.0024%); highest among the groups gnomAD compares: Non-Finnish European, 0.0032%; no homozygotes.

Submission:

Labcorp Genetics (formerly Invitae), Labcorp
Classification: Uncertain significance. Last evaluated: 2024-12-17. Review status: criteria provided, single submitter. Criteria: Invitae Variant Classification Sherloc (09022015). Collection method: clinical testing. Allele origin: germline.
Comment: This sequence change replaces proline, which is neutral and non-polar, with leucine, which is neutral and non-polar, at codon 663 of the A2ML1 protein (p.Pro663Leu). This variant is present in population databases (rs201653915, gnomAD 0.0009%). This variant has not been reported in the literature in individuals affected with A2ML1-related conditions. ClinVar contains an entry for this variant (Variation ID: 963181). An algorithm developed to predict the effect of missense changes on protein structure and function (PolyPhen-2) suggests that this variant is likely to be tolerated. In summary, the available evidence is currently insufficient to determine the role of this variant in disease. Therefore, it has been classified as a Variant of Uncertain Significance.